The following is an entry in ClinVar:

NM_000203.5(IDUA):c.313C>T (p.Arg105Trp)

Gene: IDUA (alpha-L-iduronidase; plus strand). Cytogenetic location: 4p16.3.
Variant type: single nucleotide variant.
Coding change: c.313C>T on transcript NM_000203.5 (MANE Select); coding-DNA position 313, C replaced by T.
Protein change: p.Arg105Trp; replaces arginine 105 with tryptophan.
Molecular consequence: missense variant. On other transcripts: 5 prime UTR variant (1), non-coding transcript variant (1).
Genome position (GRCh38, 1-based): chr4:1,000,625, C>T. VCF-style: chr4-1000625-C-T. GRCh37 (hg19) VCF-style: chr4-994413-C-T.
Other names: c.-84C>T (NM_001363576.1); c.313C>T (NM_000203.3); short protein forms R105W.
Identifiers: ClinVar variation 2156980 (VCV002156980.3), dbSNP rs779553529, ClinGen allele CA2801870.

ClinVar aggregate classification (germline): Conflicting classifications of pathogenicity. Review status: criteria provided, conflicting classifications (1 of 4 stars). 2 submissions from 2 submitters: Uncertain significance (1); Likely benign (1). Last evaluated 2025-07-24.

Conditions:
Inborn genetic diseases. Identifiers: MedGen C0950123, MeSH D030342.
Mucopolysaccharidosis type 1. Also called: IDUA deficiency; MPS I. Identifiers: Orphanet 579, MedGen C0023786, MONDO:0001586.

Allele frequency attached by ClinVar (database versions not stated): gnomAD exomes 0.00002; gnomAD 0.00004; TOPMed 0.00005; ExAC 0.00007.
gnomAD v4.1: 36 of 1,612,306 alleles (0.0022%); highest among the groups gnomAD compares: Middle Eastern, 0.099%; no homozygotes.

Submissions (2):

Ambry Genetics
Classification: Likely benign for Inborn genetic diseases. Last evaluated: 2025-07-24. Review status: criteria provided, single submitter. Criteria: Ambry Variant Classification Scheme 2023. Collection method: clinical testing. Allele origin: germline.

Labcorp Genetics (formerly Invitae), Labcorp
Classification: Uncertain significance for Mucopolysaccharidosis type 1. Last evaluated: 2021-08-28. Review status: criteria provided, single submitter. Criteria: Invitae Variant Classification Sherloc (09022015). Collection method: clinical testing. Allele origin: germline.
Comment: This sequence change replaces arginine with tryptophan at codon 105 of the IDUA protein (p.Arg105Trp). The arginine residue is weakly conserved and there is a moderate physicochemical difference between arginine and tryptophan. This variant is present in population databases (rs779553529, ExAC 0.01%). This variant has not been reported in the literature in individuals affected with IDUA-related conditions. Algorithms developed to predict the effect of missense changes on protein structure and function output the following: SIFT: "Deleterious"; PolyPhen-2: "Benign"; Align-GVGD: "Class C0". The tryptophan amino acid residue is found in multiple mammalian species, which suggests that this missense change does not adversely affect protein function. In summary, the available evidence is currently insufficient to determine the role of this variant in disease. Therefore, it has been classified as a Variant of Uncertain Significance.